The following is an entry in ClinVar:

ClinVar aggregate classification (germline): Uncertain significance. Review status: criteria provided, multiple submitters, no conflicts (2 of 4 stars). 3 submissions from 3 submitters: Uncertain significance (3). Last evaluated 2025-11-01.

Conditions:
Spinocerebellar ataxia type 5 (SCA5). Identifiers: Orphanet 98766, MedGen C0752123, MONDO:0010848, OMIM 600224.
Inborn genetic diseases. Identifiers: MedGen C0950123, MeSH D030342.

Allele frequency attached by ClinVar (database versions not stated): gnomAD 0.00004; TOPMed 0.00006; ESP Exome Variant Server 0.00008; ExAC 0.00005.
gnomAD v4.1: 54 of 1,602,934 alleles (0.0034%); highest among the groups gnomAD compares: South Asian, 0.016%; no homozygotes.

Submissions (3):

Dasa
Classification: Uncertain significance for Spinocerebellar ataxia type 5. Last evaluated: 2025-11-01. Review status: criteria provided, single submitter. Criteria: DASA Assertion Criteria. Collection method: clinical testing. Allele origin: germline.
Comment: NM_006946.4(SPTBN2):c.3358G>A (p.Glu1120Lys) is a missense variant that results in the substitution of glutamic acid with lysine. This variant is rare in population databases. Computational prediction algorithms are consistent with a benign effect. The currently available literature and clinical evidence are not sufficient to establish a definitive association between this variant and the reported condition. Therefore, this variant is classified as a variant of uncertain significance.

Ambry Genetics
Classification: Uncertain significance for Inborn genetic diseases. Last evaluated: 2023-11-15. Review status: criteria provided, single submitter. Criteria: Ambry Variant Classification Scheme 2023. Collection method: clinical testing. Allele origin: germline.

GeneDx
Classification: Uncertain significance. Last evaluated: 2023-11-06. Review status: criteria provided, single submitter. Criteria: GeneDx Variant Classification Process June 2021. Collection method: clinical testing. Allele origin: germline. Affected: yes.
Comment: In silico analysis supports that this missense variant does not alter protein structure/function; Has not been previously published as pathogenic or benign to our knowledge

NM_006946.4(SPTBN2):c.3358G>A (p.Glu1120Lys)

Gene: SPTBN2 (spectrin beta, non-erythrocytic 2; minus strand). Cytogenetic location: 11q13.2.
Variant type: single nucleotide variant.
Coding change: c.3358G>A on transcript NM_006946.4 (MANE Select); coding-DNA position 3358, G replaced by A.
Protein change: p.Glu1120Lys; replaces glutamic acid 1120 with lysine.
Molecular consequence: missense variant.
Genome position (GRCh38, 1-based): chr11:66,700,741, C>T on the plus strand (G>A on the coding strand, the complement: SPTBN2 is on the minus strand). VCF-style: chr11-66700741-C-T. GRCh37 (hg19) VCF-style: chr11-66468212-C-T.
Other names: c.3379G>A, p.Glu1127Lys (NM_001411025.1); short protein forms E1120K, E1127K.
Identifiers: ClinVar variation 3169568 (VCV003169568.4), dbSNP rs368352289, ClinGen allele CA6128883.
Genomic context (GRCh38, chr11:66,700,741, plus strand): 5'-ACTGGGGGTCAGCCTGGTCCCGGGTCACCTCCTCGCCCAGGGCTCGCAGCCGGCTATACT[C>T]GCTCTGGGCCCGCTCCACCTCTCCCCGCAGGGCTGCATGTTGGGCCAGGAGGGCCTCTGC-3'
Protein context (NP_008877.2, residues 1110-1130): LRGEVERAQS[Glu1120Lys]YSRLRALGEE